The following is an entry in ClinVar:

ClinVar aggregate classification (germline): Uncertain significance (1 of 4 stars; one submission).

Conditions:
Nemaline myopathy 2 (NEM2). Also called: Nemaline myopathy 2, autosomal recessive. Identifiers: MedGen C1850569, MONDO:0009725, OMIM 256030.

Submission:

Labcorp Genetics (formerly Invitae), Labcorp
Classification: Uncertain significance for Nemaline myopathy 2. Last evaluated: 2023-04-13. Review status: criteria provided, single submitter. Criteria: Invitae Variant Classification Sherloc (09022015). Collection method: clinical testing. Allele origin: germline.
Comment: In summary, the available evidence is currently insufficient to determine the role of this variant in disease. Therefore, it has been classified as a Variant of Uncertain Significance. Experimental studies and prediction algorithms are not available or were not evaluated, and the functional significance of this variant is currently unknown. ClinVar contains an entry for this variant (Variation ID: 465510). This variant has not been reported in the literature in individuals affected with NEB-related conditions. This variant is not present in population databases (gnomAD no frequency). This sequence change replaces tyrosine, which is neutral and polar, with asparagine, which is neutral and polar, at codon 5989 of the NEB protein (p.Tyr5989Asn).

NM_001164508.2(NEB):c.17965T>A (p.Tyr5989Asn)

Gene: NEB (nebulin; minus strand). Cytogenetic location: 2q23.3.
Variant type: single nucleotide variant.
Coding change: c.17965T>A on transcript NM_001164508.2 (MANE Select); coding-DNA position 17965, T replaced by A.
Protein change: p.Tyr5989Asn; replaces tyrosine 5989 with asparagine.
Molecular consequence: missense variant.
Genome position (GRCh38, 1-based): chr2:151,567,359, A>T on the plus strand (T>A on the coding strand, the complement: NEB is on the minus strand). VCF-style: chr2-151567359-A-T. GRCh37 (hg19) VCF-style: chr2-152423873-A-T.
Other names: c.17965T>A, p.Tyr5989Asn (NM_001164507.2, NM_001271208.2); c.12862T>A, p.Tyr4288Asn (NM_004543.5); short protein forms Y5989N, Y4288N.
Identifiers: ClinVar variation 465510 (VCV000465510.8), dbSNP rs752113075, ClinGen allele CA348803682.